The following is an entry in ClinVar:

NM_005477.3(HCN4):c.415C>G (p.Pro139Ala)

Gene: HCN4 (hyperpolarization activated cyclic nucleotide gated potassium channel 4; minus strand). Cytogenetic location: 15q24.1.
Variant type: single nucleotide variant.
Coding change: c.415C>G on transcript NM_005477.3 (MANE Select); coding-DNA position 415, C replaced by G.
Protein change: p.Pro139Ala; replaces proline 139 with alanine.
Molecular consequence: missense variant.
Genome position (GRCh38, 1-based): chr15:73,367,856, G>C on the plus strand (C>G on the coding strand, the complement: HCN4 is on the minus strand). VCF-style: chr15-73367856-G-C. GRCh37 (hg19) VCF-style: chr15-73660197-G-C.
Other names: short protein forms P139A.
Identifiers: ClinVar variation 2565011 (VCV002565011.5), dbSNP rs761237260, ClinGen allele CA7649476.

ClinVar aggregate classification (germline): Uncertain significance. Review status: criteria provided, multiple submitters, no conflicts (2 of 4 stars). 2 submissions from 2 submitters: Uncertain significance (2). Last evaluated 2023-08-28.

Conditions:
Cardiovascular phenotype. Identifiers: MedGen CN230736.
Brugada syndrome 8 (BRGDA8). Identifiers: Orphanet 130, MedGen C2751083, MONDO:0013148, OMIM 613123.

Allele frequency attached by ClinVar (database versions not stated): gnomAD exomes below 0.00001; TOPMed below 0.00001.
gnomAD v4.1: 2 of 1,308,388 alleles (0.00015%); highest among the groups gnomAD compares: Non-Finnish European, 0.00019%; no homozygotes.

Submissions (2):

Labcorp Genetics (formerly Invitae), Labcorp
Classification: Uncertain significance for Brugada syndrome 8. Last evaluated: 2023-08-28. Review status: criteria provided, single submitter. Criteria: Invitae Variant Classification Sherloc (09022015). Collection method: clinical testing. Allele origin: germline.
Comment: This sequence change replaces proline, which is neutral and non-polar, with alanine, which is neutral and non-polar, at codon 139 of the HCN4 protein (p.Pro139Ala). In summary, the available evidence is currently insufficient to determine the role of this variant in disease. Therefore, it has been classified as a Variant of Uncertain Significance. Advanced modeling of protein sequence and biophysical properties (such as structural, functional, and spatial information, amino acid conservation, physicochemical variation, residue mobility, and thermodynamic stability) performed at Invitae indicates that this missense variant is not expected to disrupt HCN4 protein function. ClinVar contains an entry for this variant (Variation ID: 2565011). This variant has not been reported in the literature in individuals affected with HCN4-related conditions. This variant is not present in population databases (gnomAD no frequency).

Ambry Genetics
Classification: Uncertain significance for Cardiovascular phenotype. Last evaluated: 2023-04-22. Review status: criteria provided, single submitter. Criteria: Ambry Variant Classification Scheme 2023. Collection method: clinical testing. Allele origin: germline.
Comment: The p.P139A variant (also known as c.415C>G), located in coding exon 1 of the HCN4 gene, results from a C to G substitution at nucleotide position 415. The proline at codon 139 is replaced by alanine, an amino acid with highly similar properties. This amino acid position is conserved. In addition, the in silico prediction for this alteration is inconclusive. Since supporting evidence is limited at this time, the clinical significance of this alteration remains unclear.